The following is an entry in ClinVar:

NM_181882.3(PRX):c.1558G>A (p.Val520Ile)

Gene: PRX (periaxin; minus strand). Cytogenetic location: 19q13.2.
Variant type: single nucleotide variant.
Coding change: c.1558G>A on transcript NM_181882.3 (MANE Select); coding-DNA position 1558, G replaced by A.
Protein change: p.Val520Ile; replaces valine 520 with isoleucine.
Molecular consequence: missense variant. On other transcripts: 3 prime UTR variant (1).
Genome position (GRCh38, 1-based): chr19:40,396,794, C>T on the plus strand (G>A on the coding strand, the complement: PRX is on the minus strand). VCF-style: chr19-40396794-C-T. GRCh37 (hg19) VCF-style: chr19-40902701-C-T.
Other names: c.*1763G>A (NM_020956.2); short protein forms V520I.
Identifiers: ClinVar variation 860152 (VCV000860152.7), dbSNP rs2079443099, ClinGen allele CA405898149.

ClinVar aggregate classification (germline): Uncertain significance (1 of 4 stars; one submission).

Conditions:
Charcot-Marie-Tooth disease type 4. Also called: Charcot-Marie-Tooth disease, type IV; Charcot-Marie-Tooth, Type 4. Identifiers: Orphanet 64749, MedGen C4082197, MONDO:0018995.

Submission:

Labcorp Genetics (formerly Invitae), Labcorp
Classification: Uncertain significance for Charcot-Marie-Tooth disease type 4. Last evaluated: 2021-11-25. Review status: criteria provided, single submitter. Criteria: Invitae Variant Classification Sherloc (09022015). Collection method: clinical testing. Allele origin: germline.
Comment: In summary, the available evidence is currently insufficient to determine the role of this variant in disease. Therefore, it has been classified as a Variant of Uncertain Significance. Algorithms developed to predict the effect of missense changes on protein structure and function are either unavailable or do not agree on the potential impact of this missense change (SIFT: "Deleterious"; PolyPhen-2: "Benign"; Align-GVGD: "Class C0"). ClinVar contains an entry for this variant (Variation ID: 860152). This variant has not been reported in the literature in individuals affected with PRX-related conditions. This variant is not present in population databases (gnomAD no frequency). This sequence change replaces valine, which is neutral and non-polar, with isoleucine, which is neutral and non-polar, at codon 520 of the PRX protein (p.Val520Ile).